The following is an entry in ClinVar:

NM_000038.6(APC):c.4462_4463insGTAAT (p.Leu1488fs)

Gene: APC (APC regulator of Wnt signaling pathway; plus strand). Cytogenetic location: 5q22.2.
Variant type: Insertion.
Coding change: c.4462_4463insGTAAT on transcript NM_000038.6 (MANE Select); coding-DNA positions 4462 to 4463, GTAAT inserted.
Protein change: p.Leu1488fs; shifts the reading frame from leucine 1488.
Molecular consequence: frameshift variant. On other transcripts: non-coding transcript variant (2).
Genome position: GRCh38 VCF-style: chr5-112840055-T-TTGTAA. GRCh37 (hg19) VCF-style: chr5-112175752-T-TTGTAA.
Other names: c.4462_4463insGTAAT, p.Leu1488fs (NM_001127510.3, NM_001354895.2, NM_001407450.1); c.4408_4409insGTAAT, p.Leu1470fs (NM_001127511.3); c.4516_4517insGTAAT, p.Leu1506fs (NM_001354896.2, NM_001407447.1, NM_001407448.1 and 1 more transcripts); c.4492_4493insGTAAT, p.Leu1498fs (NM_001354897.2); c.4387_4388insGTAAT, p.Leu1463fs (NM_001354898.2); c.4378_4379insGTAAT, p.Leu1460fs (NM_001354899.2); c.4339_4340insGTAAT, p.Leu1447fs (NM_001354900.2); c.4285_4286insGTAAT, p.Leu1429fs (NM_001354901.2, NM_001407453.1); and 11 more; short protein forms L1104fs, L1205fs, L1328fs, L1359fs, L1362fs, L1387fs, L1397fs, L1405fs.
Identifiers: ClinVar variation 2583904 (VCV002583904.1), dbSNP rs2533576756, ClinGen allele CA2582341302.
Genomic context (GRCh38, chr5:112,840,055, plus strand): 5'-TAAGCAAGCTGCAGTAAATGCTGCAGTTCAGAGGGTCCAGGTTCTTCCAGATGCTGATAC[T>TTGTAA]TTATTACATTTTGCCACGGAAAGTACTCCAGATGGATTTTCTTGTTCATCCAGCCTGAGT-3'

ClinVar aggregate classification (germline): Pathogenic (1 of 4 stars; one submission).

Conditions:
Familial adenomatous polyposis 1 (FAP1). Also called: FAMILIAL ADENOMATOUS POLYPOSIS 1, ATTENUATED; POLYPOSIS, ADENOMATOUS INTESTINAL. Identifiers: MedGen C2713442, MONDO:0021056, OMIM 175100. Disease mechanism: loss of function.

Submission:

Myriad Genetics, Inc.
Classification: Pathogenic for Familial adenomatous polyposis 1. Last evaluated: 2023-05-11. Review status: criteria provided, single submitter. Criteria: Myriad Autosomal Dominant, Autosomal Recessive and X-Linked Classification Criteria (2023). Collection method: clinical testing. Allele origin: unknown.
Comment: This variant is considered pathogenic. This variant creates a frameshift predicted to result in premature protein truncation.